The following is an entry in ClinVar:

NM_015102.5(NPHP4):c.4107G>A (p.Pro1369=)

Gene: NPHP4 (nephrocystin 4; minus strand). Cytogenetic location: 1p36.31.
Variant type: single nucleotide variant.
Coding change: c.4107G>A on transcript NM_015102.5 (MANE Select); coding-DNA position 4107, G replaced by A.
Protein change: p.Pro1369=; no amino-acid change (proline 1369 retained).
Molecular consequence: synonymous variant. On other transcripts: non-coding transcript variant (1).
Genome position (GRCh38, 1-based): chr1:5,863,923, C>T on the plus strand (G>A on the coding strand, the complement: NPHP4 is on the minus strand). VCF-style: chr1-5863923-C-T. GRCh37 (hg19) VCF-style: chr1-5923983-C-T.
Other names: c.2568G>A, p.Pro856= (NM_001291593.2); c.2571G>A, p.Pro857= (NM_001291594.2).
Identifiers: ClinVar variation 597031 (VCV000597031.18), dbSNP rs200569946, ClinGen allele CA553352.

ClinVar aggregate classification (germline): Conflicting classifications of pathogenicity. Review status: criteria provided, conflicting classifications (1 of 4 stars). 4 submissions from 4 submitters: Uncertain significance (1); Likely benign (2). 1 of the submissions does not count toward it. Last evaluated 2024-10-30.

Conditions:
NPHP4-related disorder. Also called: NPHP4-related disorders; NPHP4-related condition. Identifiers: MedGen CN239384.
Nephronophthisis. Also called: Juvenile Nephronophthisis. Identifiers: Orphanet 655, MedGen C0687120, MONDO:0019005, HP:0000090.

Allele frequency attached by ClinVar (database versions not stated): gnomAD exomes 0.00004 and 0.00006; ExAC 0.00007; ESP Exome Variant Server 0.00016; gnomAD 0.00016 and 0.00017; 1000 Genomes Project 0.00020; TOPMed 0.00025; 1000 Genomes Project 30x 0.00031.
gnomAD v4.1: 84 of 1,613,970 alleles (0.0052%); highest among the groups gnomAD compares: African/African-American, 0.067%; no homozygotes.

Submissions (4):

Labcorp Genetics (formerly Invitae), Labcorp
Classification: Likely benign for Nephronophthisis. Last evaluated: 2024-10-30. Review status: criteria provided, single submitter. Criteria: Invitae Variant Classification Sherloc (09022015). Collection method: clinical testing. Allele origin: germline.

Blueprint Genetics
Classification: Likely benign. Last evaluated: 2024-06-14. Review status: criteria provided, single submitter. Criteria: ACMG Guidelines, 2015. Collection method: clinical testing. Allele origin: germline.

Eurofins Ntd Llc (ga)
Classification: Uncertain significance. Last evaluated: 2018-05-14. Review status: criteria provided, single submitter. Criteria: EGL ClinVar v180209 classification definitions. Collection method: clinical testing. Allele origin: germline. Observed: 1 variant allele, 1 heterozygote.

PreventionGenetics, part of Exact Sciences
Classification: Likely benign for NPHP4-related condition. Last evaluated: 2019-03-29. Review status: no assertion criteria provided. Collection method: clinical testing. Allele origin: germline. Not counted in ClinVar's aggregate classification.
Comment: This variant is classified as likely benign based on ACMG/AMP sequence variant interpretation guidelines (Richards et al. 2015 PMID: 25741868, with internal and published modifications).